The following is an entry in ClinVar:

ClinVar aggregate classification (germline): Uncertain significance (1 of 4 stars; one submission).

Conditions:
Hereditary cancer-predisposing syndrome. Also called: Neoplastic Syndromes, Hereditary; Tumor predisposition; Hereditary neoplastic syndrome; Hereditary Cancer Syndrome. Identifiers: Orphanet 140162, MedGen C0027672, MeSH D009386, MONDO:0015356.

Submission:

Ambry Genetics
Classification: Uncertain significance for Hereditary cancer-predisposing syndrome. Last evaluated: 2026-08-07. Review status: criteria provided, single submitter. Criteria: Ambry Variant Classification Scheme 2023. Collection method: clinical testing. Allele origin: germline.
Comment: The p.G1005R variant (also known as c.3013G>C), located in coding exon 18 of the PTCH1 gene, results from a G to C substitution at nucleotide position 3013. The glycine at codon 1005 is replaced by arginine, an amino acid with dissimilar properties. This amino acid position is highly conserved in available vertebrate species. In addition, this alteration is predicted to be deleterious by in silico analysis. Based on the available evidence, the clinical significance of this variant remains unclear.

NM_000264.5(PTCH1):c.3013G>C (p.Gly1005Arg)

Gene: PTCH1 (patched 1; minus strand). Cytogenetic location: 9q22.32.
Variant type: single nucleotide variant.
Coding change: c.3013G>C on transcript NM_000264.5 (MANE Select); coding-DNA position 3013, G replaced by C.
Protein change: p.Gly1005Arg; replaces glycine 1005 with arginine.
Molecular consequence: missense variant. On other transcripts: non-coding transcript variant (1).
Genome position (GRCh38, 1-based): chr9:95,458,168, C>G on the plus strand (G>C on the coding strand, the complement: PTCH1 is on the minus strand). VCF-style: chr9-95458168-C-G. GRCh37 (hg19) VCF-style: chr9-98220450-C-G.
Other names: c.2815G>C, p.Gly939Arg (NM_001083602.3); c.3010G>C, p.Gly1004Arg (NM_001083603.3); c.2560G>C, p.Gly854Arg (NM_001083604.3, NM_001083605.3, NM_001083606.3 and 1 more transcripts); c.2857G>C, p.Gly953Arg (NM_001354918.2); short protein forms G1004R, G1005R, G854R, G939R, G953R.
Identifiers: ClinVar variation 5027531 (VCV005027531.1).
Genomic context (GRCh38, chr9:95,458,168, plus strand): 5'-GGAGGCCGATGTACTGCTCCCAGAAGAGGAAGGGGTAGCCGTTGGGGTAACTGGACAGCC[C>G]CAGGCTCGTATAGTTGCTGCAGATGGTCCTTACTTTTTCAATTGCCTCCACAAAGTCTGA-3'
Protein context (NP_000255.2, residues 995-1015): RTICSNYTSL[Gly1005Arg]LSSYPNGYPF